The following is an entry in ClinVar:

ClinVar aggregate classification (germline): Uncertain significance. Review status: criteria provided, multiple submitters, no conflicts (2 of 4 stars). 3 submissions from 3 submitters: Uncertain significance (3). Last evaluated 2025-04-03.

Conditions:
Inborn genetic diseases. Identifiers: MedGen C0950123, MeSH D030342.

Allele frequency attached by ClinVar (database versions not stated): gnomAD exomes 0.00003 and 0.00008; gnomAD 0.00006; TOPMed 0.00009; ExAC 0.00012.
gnomAD v4.1: 60 of 1,552,546 alleles (0.0039%); highest among the groups gnomAD compares: East Asian, 0.028%; no homozygotes.

Submissions (3):

Ambry Genetics
Classification: Uncertain significance for Inborn genetic diseases. Last evaluated: 2025-04-03. Review status: criteria provided, single submitter. Criteria: Ambry Variant Classification Scheme 2023. Collection method: clinical testing. Allele origin: germline.

GeneDx
Classification: Uncertain significance. Last evaluated: 2023-05-18. Review status: criteria provided, single submitter. Criteria: GeneDx Variant Classification Process June 2021. Collection method: clinical testing. Allele origin: germline. Affected: yes.
Comment: In silico analysis supports that this missense variant has a deleterious effect on protein structure/function; Has not been previously published as pathogenic or benign to our knowledge

Labcorp Genetics (formerly Invitae), Labcorp
Classification: Uncertain significance. Last evaluated: 2021-12-02. Review status: criteria provided, single submitter. Criteria: Invitae Variant Classification Sherloc (09022015). Collection method: clinical testing. Allele origin: germline.
Comment: This variant has not been reported in the literature in individuals affected with INTS1-related conditions. Algorithms developed to predict the effect of missense changes on protein structure and function are either unavailable or do not agree on the potential impact of this missense change (SIFT: "Tolerated"; PolyPhen-2: "Possibly Damaging"; Align-GVGD: "Class C0"). In summary, the available evidence is currently insufficient to determine the role of this variant in disease. Therefore, it has been classified as a Variant of Uncertain Significance. This variant is present in population databases (rs767857574, gnomAD 0.04%). This sequence change replaces alanine, which is neutral and non-polar, with valine, which is neutral and non-polar, at codon 2155 of the INTS1 protein (p.Ala2155Val).

NM_001080453.3(INTS1):c.6464C>T (p.Ala2155Val)

Gene: INTS1 (integrator complex subunit 1; minus strand). Cytogenetic location: 7p22.3.
Variant type: single nucleotide variant.
Coding change: c.6464C>T on transcript NM_001080453.3 (MANE Select); coding-DNA position 6464, C replaced by T.
Protein change: p.Ala2155Val; replaces alanine 2155 with valine.
Molecular consequence: missense variant.
Genome position (GRCh38, 1-based): chr7:1,470,686, G>A on the plus strand (C>T on the coding strand, the complement: INTS1 is on the minus strand). VCF-style: chr7-1470686-G-A. GRCh37 (hg19) VCF-style: chr7-1510322-G-A.
Other names: c.6464C>T (NM_001080453.2); short protein forms A2155V.
Identifiers: ClinVar variation 1439960 (VCV001439960.7), dbSNP rs767857574, ClinGen allele CA4117928.